The following continues an entry in ClinVar:

NM_145239.3(PRRT2):c.649del (p.Arg217fs)

ClinVar aggregate classification (germline): Pathogenic/Likely pathogenic. Pathogenic (24); Likely pathogenic (4).

Submissions 26 to 33 of 33:

Neuberg Centre For Genomic Medicine, NCGM
Classification: Pathogenic for Seizures, benign familial infantile, 2. Review status: criteria provided, single submitter. Criteria: ACMG Guidelines, 2015. Collection method: clinical testing. Allele origin: germline. Inheritance: Autosomal dominant inheritance. Affected: yes.
Comment: The frame shift c.649del (p.Arg217GlufsTer12) variant in the PRRT2 gene has been reported previously in multiple individuals with PRRT2-related disorders (Meneret et al., 2012). This variant has been reported to segregate with PRRT2-related conditions in families (Brueckner F et al., 2014). The p.Arg217GlufsTer12 variant is reported with the allele frequency (0.4%) in the gnomAD and novel in 1000 genome database. This variant has been reported to the ClinVar database as Pathogenic. This variant causes a frameshift starting with codon Arginine 217, changes this amino acid to Glutamic Acid residue, and creates a premature Stop codon at position 12 of the new reading frame, denoted p.Arg217GlufsTer12. This variant is predicted to cause loss of normal protein function through protein truncation. Loss of function variants have been previously reported to be disease causing. For these reasons, this variant has been classified as Pathogenic.

Neuberg Centre For Genomic Medicine, NCGM
Classification: Pathogenic for Infantile convulsions and choreoathetosis. Review status: criteria provided, single submitter. Criteria: ACMG Guidelines, 2015. Collection method: clinical testing. Allele origin: germline. Inheritance: Autosomal dominant inheritance. Affected: yes.
Comment: The c.649delC pathogenic variant in the PRRT2 gene has been reported previously in multiple unrelated individuals affected with Convulsions, familial infantile, with paroxysmal choreoathetosis (Meneret et al., 2012). This variant has been reported to segregate with PRRT2-related conditions in families (Brueckner et. al., 2014) and has been reported in individuals affected with paroxysmal kinesigenic dyskinesia, benign familial infantile epilepsy, hemiplegic migraine, (Meneret et al., 2012; Yang X et. al., 2013). The p.Arg217GlufsTer12 variant is novel (not in any individuals) in 1000 Genomes and has allele frequency of 0.4% in gnomAD database. This variant has been reported to the ClinVar database as Pathogenic/Likely Pathogenic. This variant causes a frameshift starting with codon Arginine 217, changes this amino acid to Glutamic Acid residue, and creates a premature Stop codon at position 12 of the new reading frame, denoted p.Arg217GlufsTer12. This variant is predicted to cause loss of normal protein function through protein truncation. Loss of function variants have been previously reported to be disease causing. For these reasons, this variant has been classified as Pathogenic.

Solve-RD Consortium
Classification: Likely pathogenic for Seizures, benign familial infantile, 2. Review status: criteria provided, single submitter. Criteria: ACMG Guidelines, 2015. Collection method: provider interpretation. Allele origin: germline. Inheritance: Autosomal dominant inheritance. Affected: yes. Study: Solve-RD DIFT-EpiCARE reanalysis.
Comment: PVS1

Variant identified during reanalysis of unsolved cases by the Solve-RD project. The Solve-RD project has received funding from the European Union’s Horizon 2020 research and innovation programme under grant agreement No 779257.

Solve-RD Consortium
Classification: Likely pathogenic for Episodic kinesigenic dyskinesia 1. Last evaluated: 2022-06-01. Review status: no assertion criteria provided. Collection method: provider interpretation. Allele origin: inherited. Affected: yes. Not counted in ClinVar's aggregate classification.
Comment: Variant confirmed as disease-causing by referring clinical team

Variant identified during reanalysis of unsolved cases by the Solve-RD project. The Solve-RD project has received funding from the European Union’s Horizon 2020 research and innovation programme under grant agreement No 779257.

OMIM
Classification: Pathogenic for EPISODIC KINESIGENIC DYSKINESIA 1. Last evaluated: 2012-07-10. Review status: no assertion criteria provided. Collection method: literature only. Allele origin: germline. Not counted in ClinVar's aggregate classification.

Clinical Genetics DNA and cytogenetics Diagnostics Lab, Erasmus MC, Erasmus Medical Center
Classification: Pathogenic. Review status: no assertion criteria provided. Collection method: clinical testing. Allele origin: germline. Affected: yes. Study: VKGL Data-share Consensus. Not counted in ClinVar's aggregate classification.

Diagnostic Laboratory, Department of Genetics, University Medical Center Groningen
Classification: Pathogenic. Review status: no assertion criteria provided. Collection method: clinical testing. Allele origin: germline. Affected: yes. Study: VKGL Data-share Consensus. Not counted in ClinVar's aggregate classification.

Genome Diagnostics Laboratory, University Medical Center Utrecht
Classification: Pathogenic. Review status: no assertion criteria provided. Collection method: clinical testing. Allele origin: germline. Affected: yes. Study: VKGL Data-share Consensus. Not counted in ClinVar's aggregate classification.

Literature cited by the submitters: PubMed 27172900 (cited by 6 submitters); PubMed 26598493 (cited by 3 submitters); PubMed 22623405 (cited by Labcorp Genetics (formerly Invitae), Labcorp); PubMed 22744660 (cited by 9 submitters); PubMed 23077016 (cited by 4 submitters); PubMed 24370076 (cited by 6 submitters); PubMed 24755245 (cited by 6 submitters); PubMed 25522171 (cited by 5 submitters); PubMed 29215089 (cited by 4 submitters); PubMed 34992632 (cited by Center for Genomic Medicine, Rigshospitalet, Copenhagen University Hospital); PubMed 32651081 (cited by Center for Genomic Medicine, Rigshospitalet, Copenhagen University Hospital and Athena Diagnostics); PubMed 31722684 (cited by Victorian Clinical Genetics Services, Murdoch Childrens Research Institute); PubMed 24101679 (cited by Athena Diagnostics); PubMed 37476319 (cited by Athena Diagnostics); PubMed 22870186 (cited by Athena Diagnostics); PubMed 36467477 (cited by Athena Diagnostics); PubMed 34041212 (cited by Athena Diagnostics); PubMed 24609974 (cited by Athena Diagnostics); PubMed 24465263 (cited by Athena Diagnostics); PubMed 23363396 (cited by Athena Diagnostics); PubMed 23551744 (cited by Athena Diagnostics); PubMed 25060993 (cited by Athena Diagnostics); PubMed 36247910 (cited by Athena Diagnostics); PubMed 26446061 (cited by Athena Diagnostics); PubMed 35428900 (cited by Athena Diagnostics); PubMed 37884687 (cited by Athena Diagnostics); PubMed 37880614 (cited by Athena Diagnostics); PubMed 37793168 (cited by Athena Diagnostics); PubMed 28906077 (cited by Baylor Genetics); PubMed 25449067 (cited by Baylor Genetics); PubMed 39825153 (cited by Solve-RD Consortium).